The following is an entry in ClinVar:

NM_000038.6(APC):c.3730C>A (p.Gln1244Lys)

Gene: APC (APC regulator of WNT signaling pathway; plus strand). Cytogenetic location: 5q22.2.
Variant type: single nucleotide variant.
Coding change: c.3730C>A on transcript NM_000038.6 (MANE Select); coding-DNA position 3730, C replaced by A.
Protein change: p.Gln1244Lys; replaces glutamine 1244 with lysine.
Molecular consequence: missense variant.
Genome position (GRCh38, 1-based): chr5:112,839,324, C>A. VCF-style: chr5-112839324-C-A. GRCh37 (hg19) VCF-style: chr5-112175021-C-A.
Other names: c.3730C>A, p.Gln1244Lys (NM_001127510.3, NM_001354895.2); c.3676C>A, p.Gln1226Lys (NM_001127511.3); c.3784C>A, p.Gln1262Lys (NM_001354896.2); c.3760C>A, p.Gln1254Lys (NM_001354897.2); c.3655C>A, p.Gln1219Lys (NM_001354898.2); c.3646C>A, p.Gln1216Lys (NM_001354899.2); c.3607C>A, p.Gln1203Lys (NM_001354900.2); c.3553C>A, p.Gln1185Lys (NM_001354901.2); and 5 more; short protein forms Q1226K, Q1244K, Q1118K, Q1216K, Q1219K, Q1143K, Q1153K, Q1185K.
Identifiers: ClinVar variation 83241 (VCV000083241.2), dbSNP rs79122263, ClinGen allele CA008649.

ClinVar aggregate classification (germline): other (0 of 4 stars; one submission).

Conditions:
Familial colorectal cancer. Identifiers: MedGen CN280943, MONDO:0023113. Disease mechanism: loss of function.

Submission:

Systems Biology Platform Zhejiang California International NanoSystems Institute
Classification: other for Familial colorectal cancer. Review status: no assertion criteria provided. Collection method: not provided. Allele origin: unknown.
ClinVar note: Converted during submission from cancer to other.